The following is an entry in ClinVar:

NM_000352.6(ABCC8):c.1672-4A>G

Gene: ABCC8 (ATP binding cassette subfamily C member 8; minus strand). Cytogenetic location: 11p15.1.
Variant type: single nucleotide variant.
Coding change: c.1672-4A>G on transcript NM_000352.6 (MANE Select); 4 bases into the intron before coding-DNA position 1672, A replaced by G.
Molecular consequence: intron variant.
Genome position (GRCh38, 1-based): chr11:17,430,963, T>C on the plus strand (A>G on the coding strand, the complement: ABCC8 is on the minus strand). VCF-style: chr11-17430963-T-C. GRCh37 (hg19) VCF-style: chr11-17452510-T-C.
Other names: c.1669-4A>G (NM_001351297.2, NM_001351296.2); c.1672-4A>G (NM_001351295.2, NM_001287174.3).
Identifiers: ClinVar variation 3036764 (VCV003036764.2), dbSNP rs1316827165, ClinGen allele CA674181003.
Genomic context (GRCh38, chr11:17,430,963, plus strand): 5'-GGCCACGGAGGGCGAGAAGTCGGCCTCTTTGAAGAAGCTGACGTGGCCCACGAAAGTCTG[T>C]GGACAGAGGCACAAGTGAGGCCAGGGTGGCCCAGGGTGTGGGTCCCTCCCACACTGGAAA-3'

ClinVar aggregate classification (germline): Likely benign (0 of 4 stars; one submission).

Conditions:
ABCC8-related disorder.

Allele frequency attached by ClinVar (database versions not stated): gnomAD exomes below 0.00001.
gnomAD v4.1: 6 of 1,613,974 alleles (0.00037%); highest among the groups gnomAD compares: Non-Finnish European, 0.00051%; no homozygotes.

Submission:

PreventionGenetics, part of Exact Sciences
Classification: Likely benign for ABCC8-related condition. Last evaluated: 2019-03-11. Review status: no assertion criteria provided. Collection method: clinical testing. Allele origin: germline.
Comment: This variant is classified as likely benign based on ACMG/AMP sequence variant interpretation guidelines (Richards et al. 2015 PMID: 25741868, with internal and published modifications).